The following is an entry in ClinVar:

ClinVar aggregate classification (germline): Uncertain significance (1 of 4 stars; one submission).

Conditions:
Inborn genetic diseases. Identifiers: MedGen C0950123, MeSH D030342.

gnomAD v4.1: 1 of 1,612,506 alleles (0.000062%); highest among the groups gnomAD compares: Non-Finnish European, 0.000085%; no homozygotes.

Submission:

Ambry Genetics
Classification: Uncertain significance for Inborn genetic diseases. Last evaluated: 2025-01-06. Review status: criteria provided, single submitter. Criteria: Ambry Variant Classification Scheme 2023. Collection method: clinical testing. Allele origin: germline.
Comment: The p.T171A variant (also known as c.511A>G), located in coding exon 3 of the ERCC6L2 gene, results from an A to G substitution at nucleotide position 511. The threonine at codon 171 is replaced by alanine, an amino acid with similar properties. This amino acid position is conserved. In addition, the in silico prediction for this alteration is inconclusive. Based on the available evidence, the clinical significance of this variant remains unclear.

NM_020207.7(ERCC6L2):c.511A>G (p.Thr171Ala)

Gene: ERCC6L2 (ERCC excision repair 6 like 2; plus strand). Cytogenetic location: 9q22.32.
Variant type: single nucleotide variant.
Coding change: c.511A>G on transcript NM_020207.7 (MANE Select); coding-DNA position 511, A replaced by G.
Protein change: p.Thr171Ala; replaces threonine 171 with alanine.
Molecular consequence: missense variant. On other transcripts: non-coding transcript variant (1).
Genome position (GRCh38, 1-based): chr9:95,897,888, A>G. VCF-style: chr9-95897888-A-G. GRCh37 (hg19) VCF-style: chr9-98660170-A-G.
Other names: c.511A>G, p.Thr171Ala (NM_001010895.4, NM_001375291.1, NM_001375292.1 and 2 more transcripts); short protein forms T171A.
Identifiers: ClinVar variation 3845849 (VCV003845849.1).
Genomic context (GRCh38, chr9:95,897,888, plus strand): 5'-GAAAAAGTCTTTTTTCCCCAGGTTATTTCATTTCTGGCTGCAGTTTTGCATAAAAAGGGA[A>G]CTCGTGAGGATATTGAAAATAACATGCCAGAGTTTTTACTAAGAAGTATGAAAAAGGAAC-3'
Protein context (NP_064592.3, residues 161-181): FLAAVLHKKG[Thr171Ala]REDIENNMPE